The following is an entry in ClinVar:

NM_025138.5(PROSER1):c.1626G>A (p.Pro542=)

Gene: PROSER1 (proline and serine rich 1; minus strand). Cytogenetic location: 13q13.3.
Variant type: single nucleotide variant.
Coding change: c.1626G>A on transcript NM_025138.5 (MANE Select); coding-DNA position 1626, G replaced by A.
Protein change: p.Pro542=; no amino-acid change (proline 542 retained).
Molecular consequence: synonymous variant.
Genome position (GRCh38, 1-based): chr13:39,013,626, C>T on the plus strand (G>A on the coding strand, the complement: PROSER1 is on the minus strand). VCF-style: chr13-39013626-C-T. GRCh37 (hg19) VCF-style: chr13-39587763-C-T.
Other names: c.1560G>A, p.Pro520= (NM_170719.4).
Identifiers: ClinVar variation 2672544 (VCV002672544.23), dbSNP rs35453341, ClinGen allele CA6957039.

ClinVar aggregate classification (germline): Benign (1 of 4 stars; one submission).

Allele frequency attached by ClinVar (database versions not stated): gnomAD 0.00710; ESP Exome Variant Server 0.00800; TOPMed 0.00893; 1000 Genomes Project 0.00339; 1000 Genomes Project 30x 0.00375; ExAC 0.00674; gnomAD exomes 0.00928.
gnomAD v4.1: 14,703 of 1,614,048 alleles (0.91%); highest among the groups gnomAD compares: Admixed American, 1.2%; 91 homozygotes.

Submission:

CeGaT Center for Human Genetics Tuebingen
Classification: Benign. Last evaluated: 2023-11-01. Review status: criteria provided, single submitter. Criteria: CeGaT Center For Human Genetics Tuebingen Variant Classification Criteria Version 2. Collection method: clinical testing. Allele origin: germline. Affected: yes. Observed: 1 variant allele.
Comment: PROSER1: BP4, BP7, BS1, BS2